The following is an entry in ClinVar:

NC_000009.12:g.35658055T>C

Gene: RMRP (RNA component of mitochondrial RNA processing endoribonuclease; minus strand). Cytogenetic location: 9p13.3.
Variant type: single nucleotide variant.
Genome position: GRCh38 VCF-style: chr9-35658055-T-C. GRCh37 (hg19) VCF-style: chr9-35658052-T-C.
Identifiers: ClinVar variation 2048675 (VCV002048675.3), dbSNP rs2490604758, ClinGen allele CA2580080485.

ClinVar aggregate classification (germline): Uncertain significance (1 of 4 stars; one submission).

Conditions:
Anauxetic dysplasia. Identifiers: Orphanet 93347, MedGen C1846796, MONDO:0011773.

Allele frequency attached by ClinVar (database versions not stated): gnomAD exomes below 0.00001.

Submission:

Labcorp Genetics (formerly Invitae), Labcorp
Classification: Uncertain significance for Anauxetic dysplasia. Last evaluated: 2024-12-20. Review status: criteria provided, single submitter. Criteria: Invitae Variant Classification Sherloc (09022015). Collection method: clinical testing. Allele origin: germline.
Comment: This variant occurs in the RMRP gene, which encodes an RNA molecule that does not result in a protein product. This variant is not present in population databases (gnomAD no frequency). This variant has not been reported in the literature in individuals affected with RMRP-related conditions. Experimental studies and prediction algorithms are not available or were not evaluated, and the functional significance of this variant is currently unknown. In summary, the available evidence is currently insufficient to determine the role of this variant in disease. Therefore, it has been classified as a Variant of Uncertain Significance.